The following is an entry in ClinVar:

NM_000179.3(MSH6):c.3926C>T (p.Pro1309Leu)

Gene: MSH6 (mutS homolog 6; plus strand). Cytogenetic location: 2p16.3.
Variant type: single nucleotide variant.
Coding change: c.3926C>T on transcript NM_000179.3 (MANE Select); coding-DNA position 3926, C replaced by T.
Protein change: p.Pro1309Leu; replaces proline 1309 with leucine.
Molecular consequence: missense variant.
Genome position (GRCh38, 1-based): chr2:47,806,576, C>T. VCF-style: chr2-47806576-C-T. GRCh37 (hg19) VCF-style: chr2-48033715-C-T.
Other names: c.3536C>T, p.Pro1179Leu (NM_001281492.2); c.3020C>T, p.Pro1007Leu (NM_001281493.2, NM_001281494.2); short protein forms P1309L, P1007L, P1179L.
Identifiers: ClinVar variation 490014 (VCV000490014.16), dbSNP rs1553333601, ClinGen allele CA346761473.

ClinVar aggregate classification (germline): Uncertain significance. Review status: criteria provided, multiple submitters, no conflicts (2 of 4 stars). 4 submissions from 4 submitters: Uncertain significance (4). Last evaluated 2026-08-19.

Conditions:
Hereditary nonpolyposis colorectal neoplasms. Identifiers: MedGen C0009405, MeSH D003123.
Hereditary cancer-predisposing syndrome. Also called: Neoplastic Syndromes, Hereditary; Hereditary neoplastic syndrome; Hereditary Cancer Syndrome; Tumor predisposition. Identifiers: Orphanet 140162, MedGen C0027672, MeSH D009386, MONDO:0015356.

Allele frequency attached by ClinVar (database versions not stated): gnomAD exomes below 0.00001.
gnomAD v4.1: 1 of 1,613,554 alleles (0.000062%); highest among the groups gnomAD compares: Non-Finnish European, 0.000085%; no homozygotes.

Submissions (4):

Ambry Genetics
Classification: Uncertain significance for Hereditary cancer-predisposing syndrome. Last evaluated: 2026-08-19. Review status: criteria provided, single submitter. Criteria: Ambry Variant Classification Scheme 2023. Collection method: clinical testing. Allele origin: germline.
Comment: The p.P1309L variant (also known as c.3926C>T), located in coding exon 9 of the MSH6 gene, results from a C to T substitution at nucleotide position 3926. The proline at codon 1309 is replaced by leucine, an amino acid with similar properties. This amino acid position is highly conserved in available vertebrate species. In addition, this alteration is predicted to be deleterious by in silico analysis. Based on the available evidence, the clinical significance of this variant remains unclear.

Color Diagnostics, LLC DBA Color Health
Classification: Uncertain significance for Hereditary cancer-predisposing syndrome. Last evaluated: 2023-12-05. Review status: criteria provided, single submitter. Criteria: ACMG Guidelines, 2015. Collection method: clinical testing. Allele origin: germline.
Comment: This missense variant replaces proline with leucine at codon 1309 of the MSH6 protein. Computational prediction suggests that this variant may have deleterious impact on protein structure and function (internally defined REVEL score threshold >= 0.7, PMID: 27666373). To our knowledge, functional studies have not been reported for this variant. This variant has not been reported in individuals affected with MSH6-related disorders in the literature. This variant has not been identified in the general population by the Genome Aggregation Database (gnomAD). The available evidence is insufficient to determine the role of this variant in disease conclusively. Therefore, this variant is classified as a Variant of Uncertain Significance.

Labcorp Genetics (formerly Invitae), Labcorp
Classification: Uncertain significance for Hereditary nonpolyposis colorectal neoplasms. Last evaluated: 2022-06-21. Review status: criteria provided, single submitter. Criteria: Invitae Variant Classification Sherloc (09022015). Collection method: clinical testing. Allele origin: germline.
Comment: This sequence change replaces proline, which is neutral and non-polar, with leucine, which is neutral and non-polar, at codon 1309 of the MSH6 protein (p.Pro1309Leu). This variant is not present in population databases (gnomAD no frequency). This variant has not been reported in the literature in individuals affected with MSH6-related conditions. ClinVar contains an entry for this variant (Variation ID: 490014). Advanced modeling of protein sequence and biophysical properties (such as structural, functional, and spatial information, amino acid conservation, physicochemical variation, residue mobility, and thermodynamic stability) performed at Invitae indicates that this missense variant is expected to disrupt MSH6 protein function. In summary, the available evidence is currently insufficient to determine the role of this variant in disease. Therefore, it has been classified as a Variant of Uncertain Significance.

Sema4
Classification: Uncertain significance for Hereditary cancer-predisposing syndrome. Last evaluated: 2021-09-25. Review status: criteria provided, single submitter. Criteria: Sema4 Curation Guidelines. Collection method: curation. Allele origin: germline.
Comment: To the best of our knowledge, the MSH6 c.3926C>T (p.P1309L) variant has not been reported in individuals with MSH6-related disease. It was not observed in the large and broad cohorts of the Genome Aggregation Database (PMID: 32461654). The variant has been reported in ClinVar (Variation ID 490014). In silico tools suggest the impact of the variant on protein function is deleterious though these predictions have not been confirmed by functional studies. The evidence is insufficient to meet ACMG/AMP criteria for classifying the variant as benign or pathogenic. Thus, the clinical significance of this variant is currently uncertain.